The following is an entry in ClinVar:

NM_001134407.3(GRIN2A):c.268A>C (p.Met90Leu)

Gene: GRIN2A (glutamate ionotropic receptor NMDA type subunit 2A; minus strand). Cytogenetic location: 16p13.2.
Variant type: single nucleotide variant.
Coding change: c.268A>C on transcript NM_001134407.3 (MANE Select); coding-DNA position 268, A replaced by C.
Protein change: p.Met90Leu; replaces methionine 90 with leucine.
Molecular consequence: missense variant.
Genome position (GRCh38, 1-based): chr16:10,180,144, T>G on the plus strand (A>C on the coding strand, the complement: GRIN2A is on the minus strand). VCF-style: chr16-10180144-T-G. GRCh37 (hg19) VCF-style: chr16-10274001-T-G.
Other names: c.268A>C, p.Met90Leu (NM_000833.5, NM_001134408.2); short protein forms M90L.
Identifiers: ClinVar variation 1383039 (VCV001383039.8), dbSNP rs2050232660, ClinGen allele CA394715385.

ClinVar aggregate classification (germline): Uncertain significance. Review status: criteria provided, multiple submitters, no conflicts (2 of 4 stars). 2 submissions from 2 submitters: Uncertain significance (2). Last evaluated 2025-12-22.

Conditions:
Landau-Kleffner syndrome (FESD). Also called: APHASIA, ACQUIRED, WITH EPILEPSY; EPILEPSY, FOCAL, WITH SPEECH DISORDER AND WITH OR WITHOUT MENTAL RETARDATION. Identifiers: Orphanet 1945, Orphanet 725, Orphanet 98818, MedGen C0282512, MONDO:0009509, OMIM 245570.

Allele frequency attached by ClinVar (database versions not stated): gnomAD 0.00001; TOPMed 0.00002.

Submissions (2):

Labcorp Genetics (formerly Invitae), Labcorp
Classification: Uncertain significance for Landau-Kleffner syndrome. Last evaluated: 2025-12-22. Review status: criteria provided, single submitter. Criteria: Invitae Variant Classification Sherloc (09022015). Collection method: clinical testing. Allele origin: germline.
Comment: This sequence change replaces methionine, which is neutral and non-polar, with leucine, which is neutral and non-polar, at codon 90 of the GRIN2A protein (p.Met90Leu). This variant is not present in population databases (gnomAD no frequency). This variant has not been reported in the literature in individuals affected with GRIN2A-related conditions. ClinVar contains an entry for this variant (Variation ID: 1383039). Invitae Evidence Modeling of protein sequence and biophysical properties (such as structural, functional, and spatial information, amino acid conservation, physicochemical variation, residue mobility, and thermodynamic stability) indicates that this missense variant is not expected to disrupt GRIN2A protein function with a negative predictive value of 95%. In summary, the available evidence is currently insufficient to determine the role of this variant in disease. Therefore, it has been classified as a Variant of Uncertain Significance.

GeneDx
Classification: Uncertain significance. Last evaluated: 2022-04-27. Review status: criteria provided, single submitter. Criteria: GeneDx Variant Classification Process June 2021. Collection method: clinical testing. Allele origin: germline. Affected: yes.
Comment: Not observed at significant frequency in large population cohorts (gnomAD); In silico analysis supports that this missense variant does not alter protein structure/function; Has not been previously published as pathogenic or benign to our knowledge